The following is an entry in ClinVar:

NM_182914.3(SYNE2):c.20534G>A (p.Arg6845Gln)

Gene: SYNE2 (spectrin repeat containing nuclear envelope protein 2; plus strand). Cytogenetic location: 14q23.2.
Variant type: single nucleotide variant.
Coding change: c.20534G>A on transcript NM_182914.3 (MANE Select); coding-DNA position 20534, G replaced by A.
Protein change: p.Arg6845Gln; replaces arginine 6845 with glutamine.
Molecular consequence: missense variant.
Genome position (GRCh38, 1-based): chr14:64,225,336, G>A. VCF-style: chr14-64225336-G-A. GRCh37 (hg19) VCF-style: chr14-64692054-G-A.
Other names: c.20534G>A (NM_182914.2); c.20468G>A, p.Arg6823Gln (NM_015180.6); c.1100G>A, p.Arg367Gln (NM_182910.2); c.1481G>A, p.Arg494Gln (NM_182913.4); short protein forms R367Q, R6845Q, R494Q, R6823Q.
Identifiers: ClinVar variation 2867037 (VCV002867037.4), dbSNP rs777915067, ClinGen allele CA7224939.

ClinVar aggregate classification (germline): Uncertain significance. Review status: criteria provided, multiple submitters, no conflicts (2 of 4 stars). 2 submissions from 2 submitters: Uncertain significance (2). Last evaluated 2025-02-10.

Conditions:
Emery-Dreifuss muscular dystrophy 5, autosomal dominant (EDMD5). Also called: EMERY-DREIFUSS MUSCULAR DYSTROPHY 5. Identifiers: Orphanet 261, MedGen C2751805, MONDO:0013072, OMIM 612999.

Allele frequency attached by ClinVar (database versions not stated): ExAC 0.00002; gnomAD 0.00002; gnomAD exomes 0.00003; TOPMed 0.00005.
gnomAD v4.1: 40 of 1,613,934 alleles (0.0025%); highest among the groups gnomAD compares: African/African-American, 0.004%; no homozygotes.

Submissions (2):

Labcorp Genetics (formerly Invitae), Labcorp
Classification: Uncertain significance for Emery-Dreifuss muscular dystrophy 5, autosomal dominant. Last evaluated: 2025-02-10. Review status: criteria provided, single submitter. Criteria: Invitae Variant Classification Sherloc (09022015). Collection method: clinical testing. Allele origin: germline.
Comment: This sequence change replaces arginine, which is basic and polar, with glutamine, which is neutral and polar, at codon 6845 of the SYNE2 protein (p.Arg6845Gln). This variant is present in population databases (rs777915067, gnomAD 0.004%). This variant has not been reported in the literature in individuals affected with SYNE2-related conditions. ClinVar contains an entry for this variant (Variation ID: 2867037). An algorithm developed to predict the effect of missense changes on protein structure and function outputs the following: PolyPhen-2: "Benign". The glutamine amino acid residue is found in multiple mammalian species, which suggests that this missense change does not adversely affect protein function. In summary, the available evidence is currently insufficient to determine the role of this variant in disease. Therefore, it has been classified as a Variant of Uncertain Significance.

Ambry Genetics
Classification: Uncertain significance. Last evaluated: 2024-04-09. Review status: criteria provided, single submitter. Criteria: Ambry Variant Classification Scheme 2023. Collection method: clinical testing. Allele origin: germline.